The following is an entry in ClinVar:

ClinVar aggregate classification (germline): Uncertain significance (1 of 4 stars; one submission).

Conditions:
Distal myopathy with posterior leg and anterior hand involvement. Also called: WILLIAMS DISTAL MYOPATHY. Identifiers: Orphanet 63273, MedGen C3279722, MONDO:0013550, OMIM 614065.
Hypertrophic cardiomyopathy 26. Also called: Cardiomyopathy, familial hypertrophic, 26. Identifiers: Orphanet 75249, MedGen C4310749, MONDO:0014883, OMIM 617047.
Myofibrillar myopathy 5. Also called: Filaminopathy (type); FILAMINOPATHY, AUTOSOMAL DOMINANT. Identifiers: Orphanet 171445, MedGen C1836050, MONDO:0012289, OMIM 609524.

Submission:

Labcorp Genetics (formerly Invitae), Labcorp
Classification: Uncertain significance for Distal myopathy with posterior leg and anterior hand involvement; Myofibrillar myopathy 5; Hypertrophic cardiomyopathy 26. Last evaluated: 2024-09-03. Review status: criteria provided, single submitter. Criteria: Invitae Variant Classification Sherloc (09022015). Collection method: clinical testing. Allele origin: germline.
Comment: This sequence change replaces isoleucine, which is neutral and non-polar, with valine, which is neutral and non-polar, at codon 178 of the FLNC protein (p.Ile178Val). This variant is not present in population databases (gnomAD no frequency). This variant has not been reported in the literature in individuals affected with FLNC-related conditions. Invitae Evidence Modeling of protein sequence and biophysical properties (such as structural, functional, and spatial information, amino acid conservation, physicochemical variation, residue mobility, and thermodynamic stability) has been performed for this missense variant. However, the output from this modeling did not meet the statistical confidence thresholds required to predict the impact of this variant on FLNC protein function. In summary, the available evidence is currently insufficient to determine the role of this variant in disease. Therefore, it has been classified as a Variant of Uncertain Significance.

NM_001458.5(FLNC):c.532A>G (p.Ile178Val)

Gene: FLNC (filamin C; plus strand). Cytogenetic location: 7q32.1.
Variant type: single nucleotide variant.
Coding change: c.532A>G on transcript NM_001458.5 (MANE Select); coding-DNA position 532, A replaced by G.
Protein change: p.Ile178Val; replaces isoleucine 178 with valine.
Molecular consequence: missense variant.
Genome position (GRCh38, 1-based): chr7:128,835,505, A>G. VCF-style: chr7-128835505-A-G. GRCh37 (hg19) VCF-style: chr7-128475559-A-G.
Other names: c.532A>G, p.Ile178Val (NM_001127487.2); short protein forms I178V.
Identifiers: ClinVar variation 3757950 (VCV003757950.2).